The following is an entry in ClinVar:

NM_000038.6(APC):c.7777A>C (p.Asn2593His)

Gene: APC (APC regulator of Wnt signaling pathway; plus strand). Cytogenetic location: 5q22.2.
Variant type: single nucleotide variant.
Coding change: c.7777A>C on transcript NM_000038.6 (MANE Select); coding-DNA position 7777, A replaced by C.
Protein change: p.Asn2593His; replaces asparagine 2593 with histidine.
Molecular consequence: missense variant. On other transcripts: non-coding transcript variant (2).
Genome position (GRCh38, 1-based): chr5:112,843,371, A>C. VCF-style: chr5-112843371-A-C. GRCh37 (hg19) VCF-style: chr5-112179068-A-C.
Other names: c.7777A>C, p.Asn2593His (NM_001127510.3, NM_001354895.2, NM_001407450.1); c.7723A>C, p.Asn2575His (NM_001127511.3); c.7831A>C, p.Asn2611His (NM_001354896.2, NM_001407447.1, NM_001407448.1 and 1 more transcripts); c.7807A>C, p.Asn2603His (NM_001354897.2); c.7702A>C, p.Asn2568His (NM_001354898.2); c.7693A>C, p.Asn2565His (NM_001354899.2); c.7654A>C, p.Asn2552His (NM_001354900.2); c.7600A>C, p.Asn2534His (NM_001354901.2, NM_001407453.1); and 12 more; short protein forms N2209H, N2502H, N2611H, N2510H, N2565H, N2575H, N2583H, N2603H.
Identifiers: ClinVar variation 2792747 (VCV002792747.4), dbSNP rs2149993620, ClinGen allele CA16038225.
Genomic context (GRCh38, chr5:112,843,371, plus strand): 5'-ATTCTTTCTGCTTCATCAGAATCCAGTGAAAAAGCAAAAAGTGAGGATGAAAAACATGTG[A>C]ACTCTATTTCAGGAACCAAACAAAGTAAAGAAAACCAAGTATCCGCAAAAGGAACATGGA-3'
Protein context (NP_000029.2, residues 2583-2603): KAKSEDEKHV[Asn2593His]SISGTKQSKE

ClinVar aggregate classification (germline): Uncertain significance. Review status: criteria provided, multiple submitters, no conflicts (2 of 4 stars). 2 submissions from 2 submitters: Uncertain significance (2). Last evaluated 2024-01-24.

Conditions:
Familial adenomatous polyposis 1 (FAP1). Also called: FAMILIAL ADENOMATOUS POLYPOSIS 1, ATTENUATED; POLYPOSIS, ADENOMATOUS INTESTINAL. Identifiers: MedGen C2713442, MONDO:0021056, OMIM 175100. Disease mechanism: loss of function.

Submissions (2):

Labcorp Genetics (formerly Invitae), Labcorp
Classification: Uncertain significance for Familial adenomatous polyposis 1. Last evaluated: 2024-01-24. Review status: criteria provided, single submitter. Criteria: Invitae Variant Classification Sherloc (09022015). Collection method: clinical testing. Allele origin: germline.
Comment: This sequence change replaces asparagine, which is neutral and polar, with histidine, which is basic and polar, at codon 2593 of the APC protein (p.Asn2593His). This variant is not present in population databases (gnomAD no frequency). This variant has not been reported in the literature in individuals affected with APC-related conditions. Advanced modeling of protein sequence and biophysical properties (such as structural, functional, and spatial information, amino acid conservation, physicochemical variation, residue mobility, and thermodynamic stability) performed at Invitae indicates that this missense variant is not expected to disrupt APC protein function with a negative predictive value of 95%. In summary, the available evidence is currently insufficient to determine the role of this variant in disease. Therefore, it has been classified as a Variant of Uncertain Significance.

GeneDx
Classification: Uncertain significance. Last evaluated: 2023-06-13. Review status: criteria provided, single submitter. Criteria: GeneDx Variant Classification Process June 2021. Collection method: clinical testing. Allele origin: germline. Affected: yes.
Comment: Not observed at significant frequency in large population cohorts (gnomAD); In silico analysis supports that this missense variant does not alter protein structure/function; Has not been previously published as pathogenic or benign to our knowledge; This variant is associated with the following publications: (PMID: 18199528)